The following is an entry in ClinVar:

NM_001032283.3(TMPO):c.565+2104A>G

Gene: TMPO (thymopoietin; plus strand). Cytogenetic location: 12q23.1.
Variant type: single nucleotide variant.
Coding change: c.565+2104A>G on transcript NM_001032283.3 (MANE Select); 2104 bases into the intron after coding-DNA position 565, A replaced by G.
Molecular consequence: intron variant. On other transcripts: missense variant (1).
Genome position (GRCh38, 1-based): chr12:98,533,942, A>G. VCF-style: chr12-98533942-A-G. GRCh37 (hg19) VCF-style: chr12-98927720-A-G.
Other names: c.1685A>G, p.Asn562Ser (NM_003276.2); c.565+2104A>G (NM_001307975.2, NM_001032284.3); short protein forms N562S.
Identifiers: ClinVar variation 2882838 (VCV002882838.3), dbSNP rs766567371, ClinGen allele CA6732463.

ClinVar aggregate classification (germline): Uncertain significance (1 of 4 stars; one submission).

Conditions:
Loeys-Dietz syndrome 2 (LDS2). Also called: Marfan Syndrome type 2; Marfan like connective tissue disorder; MFS 2; TGFBR2-Related Loeys-Dietz Syndrome; Marfan syndrome, type 2 (formerly); AORTIC ANEURYSM, FAMILIAL THORACIC 3. Identifiers: Orphanet 284973, Orphanet 558, MedGen C2674574, MONDO:0012427, OMIM 610168.

Allele frequency attached by ClinVar (database versions not stated): ExAC 0.00001; gnomAD exomes 0.00001; TOPMed 0.00001; gnomAD 0.00003.
gnomAD v4.1: 13 of 1,613,904 alleles (0.00081%); highest among the groups gnomAD compares: African/African-American, 0.0013%; no homozygotes.

Submission:

Labcorp Genetics (formerly Invitae), Labcorp
Classification: Uncertain significance for Loeys-Dietz syndrome 2. Last evaluated: 2023-10-08. Review status: criteria provided, single submitter. Criteria: Invitae Variant Classification Sherloc (09022015). Collection method: clinical testing. Allele origin: germline.
Comment: This sequence change replaces asparagine, which is neutral and polar, with serine, which is neutral and polar, at codon 562 of the TMPO protein (p.Asn562Ser). This variant is present in population databases (rs766567371, gnomAD 0.004%). This variant has not been reported in the literature in individuals affected with TMPO-related conditions. Advanced modeling of protein sequence and biophysical properties (such as structural, functional, and spatial information, amino acid conservation, physicochemical variation, residue mobility, and thermodynamic stability) performed at Invitae indicates that this missense variant is not expected to disrupt TMPO protein function. In summary, the available evidence is currently insufficient to determine the role of this variant in disease. Therefore, it has been classified as a Variant of Uncertain Significance.